The following is an entry in ClinVar:

ClinVar aggregate classification (germline): Likely pathogenic (1 of 4 stars; one submission).

Submission:

Labcorp Genetics (formerly Invitae), Labcorp
Classification: Likely pathogenic. Last evaluated: 2023-08-30. Review status: criteria provided, single submitter. Criteria: Invitae Variant Classification Sherloc (09022015). Collection method: clinical testing. Allele origin: unknown.
Comment: This variant is a gross deletion of the genomic region encompassing exon(s) 2-3 of the XPC gene. This variant would be expected to be in-frame, preserving the integrity of the reading frame. A similar copy number variant has been observed in individual(s) with clinical features of XPC-related conditions (PMID: 27387384). In summary, the currently available evidence indicates that the variant is pathogenic, but additional data are needed to prove that conclusively. Therefore, this variant has been classified as Likely Pathogenic.

Literature cited by the submitters: PubMed 27387384.

NC_000003.11:g.(?_14211918)_(14214582_?)del

Gene: XPC (XPC complex subunit, DNA damage recognition and repair factor; minus strand). Cytogenetic location: 3p25.1.
Variant type: Deletion.
Identifiers: ClinVar variation 3246998 (VCV003246998.1).